The following is an entry in ClinVar:

ClinVar aggregate classification (germline): Uncertain significance. Review status: criteria provided, multiple submitters, no conflicts (2 of 4 stars). 3 submissions from 3 submitters: Uncertain significance (3). Last evaluated 2024-08-21.

Conditions:
Congenital adrenal hyperplasia due to cytochrome P450 oxidoreductase deficiency. Also called: DISORDERED STEROIDOGENESIS DUE TO POR DEFICIENCY. Identifiers: Orphanet 95699, MedGen C1860042, MONDO:0013310, OMIM 613571.
Antley-Bixler syndrome without genital anomalies or disordered steroidogenesis (ABS2). Also called: Antley-Bixler Syndrome, Autosomal Dominant; Trapezoidocephaly synostosis syndrome; Osteodysgenesis, multisynostotic with fractures; MULTISYNOSTOTIC OSTEODYSGENESIS WITH LONG BONE FRACTURES. Identifiers: Orphanet 596008, Orphanet 83, MedGen C2936791, MONDO:0020667, OMIM 207410.
Antley-Bixler syndrome with genital anomalies and disordered steroidogenesis (ABS1). Also called: POR Deficiency. Identifiers: Orphanet 63269, MedGen C3150099, MONDO:0008726, OMIM 201750.

Allele frequency attached by ClinVar (database versions not stated): gnomAD exomes below 0.00001 and 0.00001; ExAC 0.00001; gnomAD 0.00001 and 0.00003; TOPMed 0.00002.
gnomAD v4.1: 14 of 1,609,860 alleles (0.00087%); highest among the groups gnomAD compares: Non-Finnish European, 0.0011%; no homozygotes.

Submissions (3):

GeneDx
Classification: Uncertain significance. Last evaluated: 2024-08-21. Review status: criteria provided, single submitter. Criteria: GeneDx Variant Classification Process June 2021. Collection method: clinical testing. Allele origin: germline. Affected: yes.
Comment: Not observed at significant frequency in large population cohorts (gnomAD); In silico analysis supports that this missense variant has a deleterious effect on protein structure/function; Has not been previously published as pathogenic or benign to our knowledge

Labcorp Genetics (formerly Invitae), Labcorp
Classification: Uncertain significance for Congenital adrenal hyperplasia due to cytochrome P450 oxidoreductase deficiency. Last evaluated: 2022-07-06. Review status: criteria provided, single submitter. Criteria: Invitae Variant Classification Sherloc (09022015). Collection method: clinical testing. Allele origin: germline.
Comment: This sequence change replaces phenylalanine, which is neutral and non-polar, with leucine, which is neutral and non-polar, at codon 72 of the POR protein (p.Phe72Leu). The frequency data for this variant in the population databases is considered unreliable, as metrics indicate poor data quality at this position in the gnomAD database. This variant has not been reported in the literature in individuals affected with POR-related conditions. ClinVar contains an entry for this variant (Variation ID: 469120). Algorithms developed to predict the effect of missense changes on protein structure and function are either unavailable or do not agree on the potential impact of this missense change (SIFT: "Deleterious"; PolyPhen-2: "Benign"; Align-GVGD: "Class C15"). In summary, the available evidence is currently insufficient to determine the role of this variant in disease. Therefore, it has been classified as a Variant of Uncertain Significance.

Fulgent Genetics
Classification: Uncertain significance for Antley-Bixler syndrome with genital anomalies and disordered steroidogenesis; Antley-Bixler syndrome without genital anomalies or disordered steroidogenesis; Congenital adrenal hyperplasia due to cytochrome P450 oxidoreductase deficiency. Last evaluated: 2021-09-03. Review status: criteria provided, single submitter. Criteria: ACMG Guidelines, 2015. Collection method: clinical testing. Allele origin: unknown.

NM_001395413.1(POR):c.205T>C (p.Phe69Leu)

Gene: POR (cytochrome p450 oxidoreductase; plus strand). Cytogenetic location: 7q11.23.
Variant type: single nucleotide variant.
Coding change: c.205T>C on transcript NM_001395413.1 (MANE Select); coding-DNA position 205, T replaced by C.
Protein change: p.Phe69Leu; replaces phenylalanine 69 with leucine.
Molecular consequence: missense variant.
Genome position (GRCh38, 1-based): chr7:75,972,438, T>C. VCF-style: chr7-75972438-T-C. GRCh37 (hg19) VCF-style: chr7-75601756-T-C.
Other names: c.205T>C, p.Phe69Leu (NM_001367562.3, NM_001382657.2, NM_001382658.3 and 2 more transcripts); c.259T>C, p.Phe87Leu (NM_001382655.3); short protein forms F69L, F87L.
Identifiers: ClinVar variation 469120 (VCV000469120.10), dbSNP rs782107314, ClinGen allele CA4303514.
Genomic context (GRCh38, chr7:75,972,438, plus strand): 5'-GCCTCCCACGCTCATTGCACACTTTTGTCTTGCAGGACCTCCTCTGTCAGAGAGAGCAGC[T>C]TTGTGGAAAAGATGAAGAAAACGGTGAGTTTCCTGCATGTCTTTACTCTTCTCAGGAAGC-3'
Protein context (NP_001382342.1, residues 59-79): TLTSSVRESS[Phe69Leu]VEKMKKTGRN